The following is an entry in ClinVar:

ClinVar aggregate classification (germline): Pathogenic (1 of 4 stars; one submission).

Conditions:
Kabuki syndrome. Also called: NIIKAWA-KUROKI SYNDROME; Kabuki make-up syndrome. Identifiers: Orphanet 2322, MedGen C0796004, MONDO:0016512.

Submission:

Labcorp Genetics (formerly Invitae), Labcorp
Classification: Pathogenic for Kabuki syndrome. Last evaluated: 2024-02-24. Review status: criteria provided, single submitter. Criteria: Invitae Variant Classification Sherloc (09022015). Collection method: clinical testing. Allele origin: germline.
Comment: This sequence change creates a premature translational stop signal (p.Gly3366Trpfs*25) in the KMT2D gene. It is expected to result in an absent or disrupted protein product. Loss-of-function variants in KMT2D are known to be pathogenic (PMID: 22126750). This variant is not present in population databases (gnomAD no frequency). This variant has not been reported in the literature in individuals affected with KMT2D-related conditions. For these reasons, this variant has been classified as Pathogenic.

Literature cited by the submitters: PubMed 22126750.

NM_003482.4(KMT2D):c.10095_10098del (p.Gly3366fs)

Gene: KMT2D (lysine methyltransferase 2D; minus strand). Cytogenetic location: 12q13.12.
Variant type: Microsatellite.
Coding change: c.10095_10098del on transcript NM_003482.4 (MANE Select); coding-DNA positions 10095 to 10098, 4 bases deleted (AGGC; older notation c.10095_10098delAGGC).
Protein change: p.Gly3366fs; shifts the reading frame from glycine 3366.
Molecular consequence: frameshift variant.
Genome position (GRCh38, 1-based): chr12:49,037,258-49,037,261, GCCT deleted on the plus strand (AGGC on the coding strand, the reverse complement: KMT2D is on the minus strand); deleting any 4 consecutive bases within chr12:49,037,258-49,037,268 gives the same sequence; the c. name uses the placement nearest the transcript's 3' end. VCF-style (leftmost placement, unchanged base first): chr12-49037257-AGCCT-A. GRCh37 (hg19) VCF-style: chr12-49431040-AGCCT-A.
Other names: short protein forms G3366fs.
Identifiers: ClinVar variation 3643089 (VCV003643089.2).